The following is an entry in ClinVar:

ClinVar aggregate classification (germline): Likely benign (1 of 4 stars; one submission).

Submission:

GeneDx
Classification: Likely benign. Last evaluated: 2017-07-11. Review status: criteria provided, single submitter. Criteria: GeneDx Variant Classification (06012015). Collection method: clinical testing. Allele origin: germline. Affected: yes.
Comment: This variant is considered likely benign or benign based on one or more of the following criteria: it is a conservative change, it occurs at a poorly conserved position in the protein, it is predicted to be benign by multiple in silico algorithms, and/or has population frequency not consistent with disease.

NM_139058.3(ARX):c.-37C>A

Gene: ARX (aristaless related homeobox; minus strand). Cytogenetic location: Xp21.3.
Variant type: single nucleotide variant.
Coding change: c.-37C>A on transcript NM_139058.3 (MANE Select); 37 bases upstream of the start codon, C replaced by A.
Molecular consequence: 5 prime UTR variant.
Genome position (GRCh38, 1-based): chrX:25,015,774, G>T on the plus strand (C>A on the coding strand, the complement: ARX is on the minus strand). VCF-style: chrX-25015774-G-T. GRCh37 (hg19) VCF-style: chrX-25033891-G-T.
Identifiers: ClinVar variation 510730 (VCV000510730.1), dbSNP rs1371669037, ClinGen allele CA658799629.